The following is an entry in ClinVar:

NM_001130987.2(DYSF):c.5405del (p.Glu1802fs)

Gene: DYSF (dysferlin; plus strand). Cytogenetic location: 2p13.2.
Variant type: Deletion.
Coding change: c.5405del on transcript NM_001130987.2 (MANE Select); coding-DNA position 5405, one base deleted (A; older notation c.5405delA).
Protein change: p.Glu1802fs; shifts the reading frame from glutamic acid 1802.
Molecular consequence: frameshift variant.
Genome position (GRCh38, 1-based): chr2:71,667,463, A deleted. VCF-style (leftmost placement, unchanged base first): chr2-71667462-GA-G. GRCh37 (hg19) VCF-style: chr2-71894592-GA-G.
Other names: c.5291del, p.Glu1764fs (NM_001130455.2); c.5246del, p.Glu1749fs (NM_001130976.2); c.5309del, p.Glu1770fs (NM_001130977.2); c.5351del, p.Glu1784fs (NM_001130978.2); c.5381del, p.Glu1794fs (NM_001130979.2); c.5339del, p.Glu1780fs (NM_001130980.2); c.5402del, p.Glu1801fs (NM_001130981.2); c.5384del, p.Glu1795fs (NM_001130982.2); and 6 more; short protein forms E1749fs, E1763fs, E1781fs, E1794fs, E1795fs, E1770fs, E1750fs, E1764fs.
Identifiers: ClinVar variation 834073 (VCV000834073.5), dbSNP rs2095035479, ClinGen allele CA916082541.

ClinVar aggregate classification (germline): Pathogenic (1 of 4 stars; one submission).

Conditions:
Autosomal recessive limb-girdle muscular dystrophy type 2B (LGMDR2). Also called: MUSCULAR DYSTROPHY, LIMB-GIRDLE, TYPE 3; Limb-Girdle Muscular Dystrophy Type 2B (LGMD2B); Limb-girdle muscular dystrophy, type 2B; MUSCULAR DYSTROPHY, LIMB-GIRDLE, AUTOSOMAL RECESSIVE 2. Identifiers: Orphanet 268, MedGen C1850889, MONDO:0009676, OMIM 253601.
Miyoshi muscular dystrophy 1 (MMD1). Identifiers: Orphanet 45448, MedGen C4551973, MONDO:0024545, OMIM 254130.
Distal myopathy with anterior tibial onset. Identifiers: Orphanet 178400, MedGen C1847532, MONDO:0011721, OMIM 606768.

Submission:

Diagnostics Services (NGS), CSIR - Centre For Cellular And Molecular Biology
Classification: Pathogenic for Miyoshi muscular dystrophy 1; Autosomal recessive limb-girdle muscular dystrophy type 2B; Distal myopathy with anterior tibial onset. Last evaluated: 2020-03-06. Review status: criteria provided, single submitter. Criteria: ACMG Guidelines, 2015. Collection method: clinical testing. Allele origin: unknown. Inheritance: Autosomal recessive inheritance. Affected: yes. Observed: 1 heterozygote.
Comment: The c.5246delA variant is a frameshift variant and not present in publicly available databases like 1000 Genomes, Exome Variant Server (EVS), Exome Aggregation Consortium (ExAC) and Genome Aggregation Database (gnomAD). The variant is not present in our in-house exome database. The variant was not reported earlier to OMIM, ClinVar or Human Genome Mutation Database (HGMD) in other affected individuals. In-silico pathogenicity prediction programs like MutationTaster2, CADD etc. predicted this variant to be likely deleterious by creating a premature stop codon that may ultimately result into a truncated protein or absence of protein due to nonsense mediated decay of the mRNA. The variant has been identified along with another heterozygous splice-site variant in this gene (NM_001130976.2:c.144+1G>A), that may alter splicing. The variant has been classified as pathogenic as per ACMG guidelines.